The following is an entry in ClinVar:

NM_000246.4(CIITA):c.200-10T>C

Gene: CIITA (class II major histocompatibility complex transactivator; plus strand). Cytogenetic location: 16p13.13.
Variant type: single nucleotide variant.
Coding change: c.200-10T>C on transcript NM_000246.4 (MANE Select); 10 bases into the intron before coding-DNA position 200, T replaced by C.
Molecular consequence: intron variant.
Genome position (GRCh38, 1-based): chr16:10,895,659, T>C. VCF-style: chr16-10895659-T-C. GRCh37 (hg19) VCF-style: chr16-10989516-T-C.
Other names: c.200-10T>C (NM_001286402.1, NM_001379332.1, NM_001379330.1 and 3 more transcripts); c.128-10T>C (NM_001379334.1).
Identifiers: ClinVar variation 317676 (VCV000317676.18), dbSNP rs45474796, ClinGen allele CA7899615.

ClinVar aggregate classification (germline): Benign. Review status: criteria provided, multiple submitters, no conflicts (2 of 4 stars). 5 submissions from 5 submitters: Benign (4). 1 of the submissions does not count toward it. Last evaluated 2026-02-01.

Conditions:
MHC class II deficiency. Also called: Bare lymphocyte syndrome 2; BLS, TYPE II. Identifiers: Orphanet 572, MedGen C5447452, MONDO:0008855.

Allele frequency attached by ClinVar (database versions not stated): gnomAD 0.00588 and 0.00616; 1000 Genomes Project 30x 0.00453; gnomAD exomes 0.00981 and 0.00897; 1000 Genomes Project 0.00439; TOPMed 0.00601; ESP Exome Variant Server 0.00739; ExAC 0.00937.
gnomAD v4.1: 15,201 of 1,614,120 alleles (0.94%); highest among the groups gnomAD compares: South Asian, 2%; 102 homozygotes.

Submissions (5):

Labcorp Genetics (formerly Invitae), Labcorp
Classification: Benign for MHC class II deficiency. Last evaluated: 2026-02-01. Review status: criteria provided, single submitter. Criteria: Invitae Variant Classification Sherloc (09022015). Collection method: clinical testing. Allele origin: germline.

Women's Health and Genetics/Laboratory Corporation of America, LabCorp
Classification: Benign. Last evaluated: 2026-01-22. Review status: criteria provided, single submitter. Criteria: LabCorp Variant Classification Summary - May 2015. Collection method: clinical testing. Allele origin: germline.

Illumina Laboratory Services, Illumina
Classification: Benign for MHC class II deficiency 1. Last evaluated: 2018-01-12. Review status: criteria provided, single submitter. Criteria: ICSL Variant Classification Criteria 13 December 2019. Collection method: clinical testing. Allele origin: germline.
Comment: This variant was observed in the ICSL laboratory as part of a predisposition screen in an ostensibly healthy population. It had not been previously curated by ICSL or reported in the Human Gene Mutation Database (HGMD: prior to June 1st, 2018), and was therefore a candidate for classification through an automated scoring system. Utilizing variant allele frequency, disease prevalence and penetrance estimates, and inheritance mode, an automated score was calculated to assess if this variant is too frequent to cause the disease. Based on the score and internal cut-off values, a variant classified as benign is not then subjected to further curation. The score for this variant resulted in a classification of benign for this disease.

Breakthrough Genomics
Classification: Benign. Review status: criteria provided, single submitter. Criteria: ACMG Guidelines, 2015. Collection method: not provided. Allele origin: germline. Inheritance: Autosomal recessive inheritance. Affected: yes.

Natera, Inc.
Classification: Benign for Bare lymphocyte syndrome type II. Last evaluated: 2020-09-16. Review status: no assertion criteria provided. Collection method: clinical testing. Allele origin: germline. Not counted in ClinVar's aggregate classification.